The following is an entry in ClinVar:

ClinVar aggregate classification (germline): Uncertain significance (1 of 4 stars; one submission).

Allele frequency attached by ClinVar (database versions not stated): gnomAD exomes below 0.00001.
gnomAD v4.1: 1 of 1,613,986 alleles (0.000062%); highest among the groups gnomAD compares: Non-Finnish European, 0.000085%; no homozygotes.

Submission:

Labcorp Genetics (formerly Invitae), Labcorp
Classification: Uncertain significance. Last evaluated: 2021-12-15. Review status: criteria provided, single submitter. Criteria: Invitae Variant Classification Sherloc (09022015). Collection method: clinical testing. Allele origin: germline.
Comment: In summary, the available evidence is currently insufficient to determine the role of this variant in disease. Therefore, it has been classified as a Variant of Uncertain Significance. Algorithms developed to predict the effect of missense changes on protein structure and function are either unavailable or do not agree on the potential impact of this missense change (SIFT: "Deleterious"; PolyPhen-2: "Probably Damaging"; Align-GVGD: "Class C0"). This variant has not been reported in the literature in individuals affected with FLNB-related conditions. This variant is not present in population databases (gnomAD no frequency). This sequence change replaces proline, which is neutral and non-polar, with leucine, which is neutral and non-polar, at codon 2211 of the FLNB protein (p.Pro2211Leu).

NM_001457.4(FLNB):c.6632C>T (p.Pro2211Leu)

Gene: FLNB (filamin B; plus strand). Cytogenetic location: 3p14.3.
Variant type: single nucleotide variant.
Coding change: c.6632C>T on transcript NM_001457.4 (MANE Select); coding-DNA position 6632, C replaced by T.
Protein change: p.Pro2211Leu; replaces proline 2211 with leucine.
Molecular consequence: missense variant.
Genome position (GRCh38, 1-based): chr3:58,153,639, C>T. VCF-style: chr3-58153639-C-T. GRCh37 (hg19) VCF-style: chr3-58139366-C-T.
Other names: c.6725C>T, p.Pro2242Leu (NM_001164317.2); c.6599C>T, p.Pro2200Leu (NM_001164318.2); c.6560C>T, p.Pro2187Leu (NM_001164319.2); short protein forms P2200L, P2242L, P2211L, P2187L.
Identifiers: ClinVar variation 1385674 (VCV001385674.6), dbSNP rs2107289522, ClinGen allele CA353359868.